The following is an entry in ClinVar:

NM_002528.7(NTHL1):c.115+2T>G

Gene: NTHL1 (nth like DNA glycosylase 1; minus strand). Cytogenetic location: 16p13.3.
Variant type: single nucleotide variant.
Coding change: c.115+2T>G on transcript NM_002528.7 (MANE Select); the canonical splice donor site of the intron after coding-DNA position 115, T replaced by G.
Molecular consequence: splice donor variant.
Genome position (GRCh38, 1-based): chr16:2,047,707, A>C on the plus strand (T>G on the coding strand, the complement: NTHL1 is on the minus strand). VCF-style: chr16-2047707-A-C. GRCh37 (hg19) VCF-style: chr16-2097708-A-C.
Other names: c.-64+2T>G (NM_001318194.2); c.115+2T>G (NM_001318193.2).
Identifiers: ClinVar variation 2677384 (VCV002677384.2), dbSNP rs2150957226, ClinGen allele CA394298202.
Genomic context (GRCh38, chr16:2,047,707, plus strand): 5'-GGACTCCAGCCTGCAGCCCCTATCCCGCCTCCTCCCACGCTCCAGCCACGGCGCGGCGCT[A>C]CCTGCTGCAGCCTCTCTTCTCCGGAGAGGCCCGGGCTCCTCCCTACACCCCCGCGGCCCA-3'

ClinVar aggregate classification (germline): Likely pathogenic. Review status: criteria provided, multiple submitters, no conflicts (2 of 4 stars). 2 submissions from 2 submitters: Likely pathogenic (2). Last evaluated 2024-08-28.

Conditions:
Familial adenomatous polyposis 3. Also called: NTHL1-Related Adenomatous Polyposis and Colorectal Cancer; NTHL1 Tumor Syndrome; NTHL1-related attenuated familial adenomatous polyposis; NTHL1-associated polyposis. Identifiers: Orphanet 220460, Orphanet 454840, MedGen C4225157, MONDO:0014630, OMIM 616415.

Allele frequency attached by ClinVar (database versions not stated): gnomAD exomes below 0.00001.
gnomAD v4.1: 1 of 1,576,452 alleles (0.000063%); highest among the groups gnomAD compares: Non-Finnish European, 0.000086%; no homozygotes.

Submissions (2):

Myriad Genetics, Inc.
Classification: Likely pathogenic for Familial adenomatous polyposis 3. Last evaluated: 2024-08-28. Review status: criteria provided, single submitter. Criteria: Myriad Autosomal Dominant, Autosomal Recessive and X-Linked Classification Criteria (2023). Collection method: clinical testing. Allele origin: unknown.
Comment: This variant is considered likely pathogenic. This variant occurs within a consensus splice junction and is predicted to result in abnormal mRNA splicing of either an out-of-frame exon or an in-frame exon necessary for protein stability and/or normal function.

Baylor Genetics
Classification: Likely pathogenic for Familial adenomatous polyposis 3. Last evaluated: 2022-04-29. Review status: criteria provided, single submitter. Criteria: ACMG Guidelines, 2015. Collection method: clinical testing. Allele origin: unknown.